The following is an entry in ClinVar:

ClinVar aggregate classification (germline): Likely benign. Review status: criteria provided, single submitter (1 of 4 stars). 2 submissions from 2 submitters: Likely benign (1). 1 of the submissions does not count toward it. Last evaluated 2025-10-01.

Conditions:
SPAG17-related disorder. Also called: SPAG17-related condition.

Allele frequency attached by ClinVar (database versions not stated): gnomAD exomes 0.00055; ExAC 0.00137; gnomAD 0.00262; 1000 Genomes Project 30x 0.00312; TOPMed 0.00318; 1000 Genomes Project 0.00319; ESP Exome Variant Server 0.00346.
gnomAD v4.1: 1,246 of 1,612,850 alleles (0.077%); highest among the groups gnomAD compares: Middle Eastern, 1.5%; 4 homozygotes.

Submissions (2):

CeGaT Center for Human Genetics Tuebingen
Classification: Likely benign. Last evaluated: 2025-10-01. Review status: criteria provided, single submitter. Criteria: CeGaT Center For Human Genetics Tuebingen Variant Classification Criteria Version 2. Collection method: clinical testing. Allele origin: germline. Affected: yes. Observed: 1 variant allele.
Comment: SPAG17: BP4, BS1

PreventionGenetics, part of Exact Sciences
Classification: Likely benign for SPAG17-related condition. Last evaluated: 2019-03-01. Review status: no assertion criteria provided. Collection method: clinical testing. Allele origin: germline. Not counted in ClinVar's aggregate classification.
Comment: This variant is classified as likely benign based on ACMG/AMP sequence variant interpretation guidelines (Richards et al. 2015 PMID: 25741868, with internal and published modifications).

NM_206996.4(SPAG17):c.4967G>A (p.Arg1656Gln)

Gene: SPAG17 (sperm associated antigen 17; minus strand). Cytogenetic location: 1p12.
Variant type: single nucleotide variant.
Coding change: c.4967G>A on transcript NM_206996.4 (MANE Select); coding-DNA position 4967, G replaced by A.
Protein change: p.Arg1656Gln; replaces arginine 1656 with glutamine.
Molecular consequence: missense variant.
Genome position (GRCh38, 1-based): chr1:117,996,456, C>T on the plus strand (G>A on the coding strand, the complement: SPAG17 is on the minus strand). VCF-style: chr1-117996456-C-T. GRCh37 (hg19) VCF-style: chr1-118539079-C-T.
Other names: short protein forms R1656Q.
Identifiers: ClinVar variation 3038447 (VCV003038447.15), dbSNP rs138035488, ClinGen allele CA1033271.